The following is an entry in ClinVar:

ClinVar aggregate classification (germline): Uncertain significance (1 of 4 stars; one submission).

Conditions:
Hypertrophic cardiomyopathy. Also called: HYPERTROPHIC MYOCARDIOPATHY. Identifiers: Orphanet 217569, MedGen C0007194, MeSH D002312, MONDO:0005045, HP:0001639.

Submission:

Labcorp Genetics (formerly Invitae), Labcorp
Classification: Uncertain significance for Hypertrophic cardiomyopathy. Last evaluated: 2025-12-08. Review status: criteria provided, single submitter. Criteria: Invitae Variant Classification Sherloc (09022015). Collection method: clinical testing. Allele origin: germline.
Comment: This sequence change replaces aspartic acid, which is acidic and polar, with asparagine, which is neutral and polar, at codon 349 of the JPH2 protein (p.Asp349Asn). This variant is not present in population databases (gnomAD no frequency). This variant has not been reported in the literature in individuals affected with JPH2-related conditions. An algorithm developed to predict the effect of missense changes on protein structure and function (PolyPhen-2) suggests that this variant is likely to be tolerated. In summary, the available evidence is currently insufficient to determine the role of this variant in disease. Therefore, it has been classified as a Variant of Uncertain Significance.

NM_020433.5(JPH2):c.1045G>A (p.Asp349Asn)

Gene: JPH2 (junctophilin 2; minus strand). Cytogenetic location: 20q13.12.
Variant type: single nucleotide variant.
Coding change: c.1045G>A on transcript NM_020433.5 (MANE Select); coding-DNA position 1045, G replaced by A.
Protein change: p.Asp349Asn; replaces aspartic acid 349 with asparagine.
Molecular consequence: missense variant.
Genome position (GRCh38, 1-based): chr20:44,159,742, C>T on the plus strand (G>A on the coding strand, the complement: JPH2 is on the minus strand). VCF-style: chr20-44159742-C-T. GRCh37 (hg19) VCF-style: chr20-42788382-C-T.
Other names: short protein forms D349N.
Identifiers: ClinVar variation 4744730 (VCV004744730.1).